The following is an entry in ClinVar:

NM_030957.4(ADAMTS10):c.202A>T (p.Thr68Ser)

Gene: ADAMTS10 (ADAM metallopeptidase with thrombospondin type 1 motif 10; minus strand). Cytogenetic location: 19p13.2.
Variant type: single nucleotide variant.
Coding change: c.202A>T on transcript NM_030957.4 (MANE Select); coding-DNA position 202, A replaced by T.
Protein change: p.Thr68Ser; replaces threonine 68 with serine.
Molecular consequence: missense variant.
Genome position (GRCh38, 1-based): chr19:8,605,245, T>A on the plus strand (A>T on the coding strand, the complement: ADAMTS10 is on the minus strand). VCF-style: chr19-8605245-T-A. GRCh37 (hg19) VCF-style: chr19-8670130-T-A.
Other names: short protein forms T68S.
Identifiers: ClinVar variation 1717161 (VCV001717161.5), dbSNP rs2512654206, ClinGen allele CA403757740.

ClinVar aggregate classification (germline): Uncertain significance (1 of 4 stars; one submission).

Submission:

Labcorp Genetics (formerly Invitae), Labcorp
Classification: Uncertain significance. Last evaluated: 2022-08-20. Review status: criteria provided, single submitter. Criteria: Invitae Variant Classification Sherloc (09022015). Collection method: clinical testing. Allele origin: germline.
Comment: In summary, the available evidence is currently insufficient to determine the role of this variant in disease. Therefore, it has been classified as a Variant of Uncertain Significance. Algorithms developed to predict the effect of missense changes on protein structure and function (SIFT, PolyPhen-2, Align-GVGD) all suggest that this variant is likely to be tolerated. This variant has not been reported in the literature in individuals affected with ADAMTS10-related conditions. This variant is not present in population databases (gnomAD no frequency). This sequence change replaces threonine, which is neutral and polar, with serine, which is neutral and polar, at codon 68 of the ADAMTS10 protein (p.Thr68Ser).